The following is an entry in ClinVar:

NM_198282.4(STING1):c.979C>A (p.Gln327Lys)

Gene: STING1 (stimulator of interferon response cGAMP interactor 1; minus strand). Cytogenetic location: 5q31.2.
Variant type: single nucleotide variant.
Coding change: c.979C>A on transcript NM_198282.4 (MANE Select); coding-DNA position 979, C replaced by A.
Protein change: p.Gln327Lys; replaces glutamine 327 with lysine.
Molecular consequence: missense variant. On other transcripts: synonymous variant (1).
Genome position (GRCh38, 1-based): chr5:139,476,422, G>T on the plus strand (C>A on the coding strand, the complement: STING1 is on the minus strand). VCF-style: chr5-139476422-G-T. GRCh37 (hg19) VCF-style: chr5-138856007-G-T.
Other names: c.979C>A, p.Gln327Lys (LRG_1308t1); c.792C>A, p.Pro264= (NM_001301738.2); c.622C>A, p.Gln208Lys (NM_001367258.1); short protein forms Q327K, Q208K.
Identifiers: ClinVar variation 570027 (VCV000570027.9), dbSNP rs201015563, ClinGen allele CA3435257.

ClinVar aggregate classification (germline): Uncertain significance (1 of 4 stars; one submission).

Conditions:
STING-associated vasculopathy with onset in infancy. Also called: Sting-associated vasculopathy, infantile-onset. Identifiers: Orphanet 425120, MedGen C4014722, MONDO:0014405, OMIM 615934.

Allele frequency attached by ClinVar (database versions not stated): ExAC 0.00001; gnomAD 0.00001; 1000 Genomes Project 30x 0.00016; 1000 Genomes Project 0.00020; gnomAD exomes below 0.00001; TOPMed 0.00001.
gnomAD v4.1: 1 of 1,612,360 alleles (0.000062%); highest among the groups gnomAD compares: African/African-American, 0.0013%; no homozygotes.

Submission:

Labcorp Genetics (formerly Invitae), Labcorp
Classification: Uncertain significance for STING-associated vasculopathy with onset in infancy. Last evaluated: 2024-10-03. Review status: criteria provided, single submitter. Criteria: Invitae Variant Classification Sherloc (09022015). Collection method: clinical testing. Allele origin: germline.
Comment: This sequence change replaces glutamine, which is neutral and polar, with lysine, which is basic and polar, at codon 327 of the TMEM173 protein (p.Gln327Lys). The frequency data for this variant in the population databases is considered unreliable, as metrics indicate poor data quality at this position in the gnomAD database. This variant has not been reported in the literature in individuals affected with TMEM173-related conditions. ClinVar contains an entry for this variant (Variation ID: 570027). Invitae Evidence Modeling of protein sequence and biophysical properties (such as structural, functional, and spatial information, amino acid conservation, physicochemical variation, residue mobility, and thermodynamic stability) indicates that this missense variant is not expected to disrupt TMEM173 protein function with a negative predictive value of 80%. In summary, the available evidence is currently insufficient to determine the role of this variant in disease. Therefore, it has been classified as a Variant of Uncertain Significance.